The following is an entry in ClinVar:

ClinVar aggregate classification (germline): Conflicting classifications of pathogenicity. Review status: criteria provided, conflicting classifications (1 of 4 stars). 4 submissions from 4 submitters: Uncertain significance (2); Likely benign (2). Last evaluated 2026-02-04.

Conditions:
Inborn genetic diseases. Identifiers: MedGen C0950123, MeSH D030342.
Congenital hyperammonemia, type I. Also called: Carbamoyl phosphate synthetase I deficiency disease; CPS I DEFICIENCY; Carbamoyl-phosphate synthase I deficiency; Carbamoyl phosphate synthetase 1 deficiency; Hyperammonemia due to carbamoyl phosphate synthetase 1 deficiency; CPS 1 deficiency. Identifiers: Orphanet 147, MedGen C4082171, MONDO:0009376, OMIM 237300.

Allele frequency attached by ClinVar (database versions not stated): 1000 Genomes Project 0.00020; gnomAD 0.00044; 1000 Genomes Project 30x 0.00047; ESP Exome Variant Server 0.00054.
gnomAD v4.1: 141 of 1,613,114 alleles (0.0087%); highest among the groups gnomAD compares: African/African-American, 0.16%; no homozygotes.

Submissions (4):

Labcorp Genetics (formerly Invitae), Labcorp
Classification: Likely benign for Congenital hyperammonemia, type I. Last evaluated: 2026-02-04. Review status: criteria provided, single submitter. Criteria: Invitae Variant Classification Sherloc (09022015). Collection method: clinical testing. Allele origin: germline.

Baylor Genetics
Classification: Uncertain significance for Congenital hyperammonemia, type I. Last evaluated: 2023-06-06. Review status: criteria provided, single submitter. Criteria: ACMG Guidelines, 2015. Collection method: clinical testing. Allele origin: unknown.

GeneDx
Classification: Uncertain significance. Last evaluated: 2022-03-08. Review status: criteria provided, single submitter. Criteria: GeneDx Variant Classification Process June 2021. Collection method: clinical testing. Allele origin: germline. Affected: yes.
Comment: Has not been previously published as pathogenic or benign to our knowledge; In silico analysis supports that this missense variant does not alter protein structure/function

Ambry Genetics
Classification: Likely benign for Inborn genetic diseases. Last evaluated: 2021-06-17. Review status: criteria provided, single submitter. Criteria: Ambry Variant Classification Scheme 2023. Collection method: clinical testing. Allele origin: germline.

NM_001875.5(CPS1):c.74C>A (p.Ala25Glu)

Gene: CPS1 (carbamoyl-phosphate synthase 1; plus strand). Cytogenetic location: 2q34.
Variant type: single nucleotide variant.
Coding change: c.74C>A on transcript NM_001875.5 (MANE Select); coding-DNA position 74, C replaced by A.
Protein change: p.Ala25Glu; replaces alanine 25 with glutamic acid.
Molecular consequence: missense variant. On other transcripts: non-coding transcript variant (1).
Genome position (GRCh38, 1-based): chr2:210,556,807, C>A. VCF-style: chr2-210556807-C-A. GRCh37 (hg19) VCF-style: chr2-211421531-C-A.
Other names: c.74C>A, p.Ala25Glu (NM_001122633.3, NM_001369257.1); c.107C>A, p.Ala36Glu (NM_001369256.1); short protein forms A25E, A36E.
Identifiers: ClinVar variation 1704975 (VCV001704975.9), dbSNP rs149570645, ClinGen allele CA2085931.